The following is an entry in ClinVar:

NM_001267550.2(TTN):c.81085del (p.Arg27029fs)

Genes: TTN (titin; minus strand), TTN-AS1 (TTN antisense RNA 1; plus strand). Cytogenetic location: 2q31.2.
Variant type: Deletion.
Coding change: c.81085del on transcript NM_001267550.2 (MANE Select); coding-DNA position 81085, one base deleted (A; older notation c.81085delA).
Protein change: p.Arg27029fs; shifts the reading frame from arginine 27029.
Molecular consequence: frameshift variant.
Genome position (GRCh38, 1-based): chr2:178,565,047, T deleted on the plus strand (A on the coding strand, the reverse complement: TTN is on the minus strand); the first of 2 consecutive T bases (chr2:178,565,047-178,565,048); deleting either gives the same sequence. VCF-style (leftmost placement, unchanged base first): chr2-178565046-CT-C. GRCh37 (hg19) VCF-style: chr2-179429773-CT-C.
Other names: c.76162del, p.Arg25388fs (NM_001256850.1); c.53890del, p.Arg17964fs (NM_003319.4); c.73381del, p.Arg24461fs (NM_133378.4); c.54265del, p.Arg18089fs (NM_133432.3); c.54466del, p.Arg18156fs (NM_133437.4); c.53890delA (NM_003319.4); short protein forms R18089fs, R27029fs, R17964fs, R18156fs, R24461fs, R25388fs.
Identifiers: ClinVar variation 4193694 (VCV004193694.1).

ClinVar aggregate classification (germline): Likely pathogenic (1 of 4 stars; one submission).

Conditions:
Cardiovascular phenotype. Identifiers: MedGen CN230736.

Submission:

Ambry Genetics
Classification: Likely pathogenic for Cardiovascular phenotype. Last evaluated: 2025-06-16. Review status: criteria provided, single submitter. Criteria: Ambry Variant Classification Scheme 2023. Collection method: clinical testing. Allele origin: germline.
Comment: The c.53890delA variant, located in coding exon 153 of the TTN gene, results from a deletion of one nucleotide at nucleotide position 53890, causing a translational frameshift with a predicted alternate stop codon (p.R17964Efs*6). This exon is located in the A-band region of the N2-B isoform of the titin protein and is constitutively expressed in TTN transcripts (percent spliced in or PSI 100%). This variant is considered to be rare based on population cohorts in the Genome Aggregation Database (gnomAD). This variant is expected to result in loss of function by premature protein truncation or nonsense-mediated mRNA decay. While truncating variants in TTN are present in 1-3% of the general population, truncating variants in the A-band are the most common cause of dilated cardiomyopathy (Herman DS et al. N. Engl. J. Med., 2012 Feb;366:619-28; Roberts AM et al. Sci Transl Med, 2015 Jan;7:270ra6). TTN truncating variants encoded in constitutive exons (PSI >90%) have been found to be significantly associated with DCM regardless of their position in titin (Schafer S et al. Nat. Genet., 2017 01;49:46-53; Akhtar MM et al. Circ Heart Fail, 2020 Oct;13:e006832; Massier M et al. Clin Genet, 2025 Jan). Based on the majority of available evidence to date, this variant is likely to be pathogenic.